The following is an entry in ClinVar:

ClinVar aggregate classification (germline): Likely benign. Review status: criteria provided, multiple submitters, no conflicts (2 of 4 stars). 2 submissions from 2 submitters: Likely benign (2). Last evaluated 2025-08-18.

Allele frequency attached by ClinVar (database versions not stated): ExAC 0.00002; gnomAD 0.00004 and 0.00006; gnomAD exomes 0.00004; TOPMed 0.00004; ESP Exome Variant Server 0.00008.
gnomAD v4.1: 68 of 1,588,864 alleles (0.0043%); highest among the groups gnomAD compares: Non-Finnish European, 0.005%; no homozygotes.

Submissions (2):

Labcorp Genetics (formerly Invitae), Labcorp
Classification: Likely benign. Last evaluated: 2025-08-18. Review status: criteria provided, single submitter. Criteria: Invitae Variant Classification Sherloc (09022015). Collection method: clinical testing. Allele origin: germline.

GeneDx
Classification: Likely benign. Last evaluated: 2017-10-02. Review status: criteria provided, single submitter. Criteria: GeneDx Variant Classification (06012015). Collection method: clinical testing. Allele origin: germline. Affected: yes.
Comment: This variant is considered likely benign or benign based on one or more of the following criteria: it is a conservative change, it occurs at a poorly conserved position in the protein, it is predicted to be benign by multiple in silico algorithms, and/or has population frequency not consistent with disease.

NM_198076.6(COX20):c.339C>T (p.Asn113=)

Gene: COX20 (cytochrome c oxidase assembly factor COX20; plus strand). Cytogenetic location: 1q44.
Variant type: single nucleotide variant.
Coding change: c.339C>T on transcript NM_198076.6 (MANE Select); coding-DNA position 339, C replaced by T.
Protein change: p.Asn113=; no amino-acid change (asparagine 113 retained).
Molecular consequence: synonymous variant. On other transcripts: 3 prime UTR variant (1), non-coding transcript variant (3).
Genome position (GRCh38, 1-based): chr1:244,843,158, C>T. VCF-style: chr1-244843158-C-T. GRCh37 (hg19) VCF-style: chr1-245006460-C-T.
Other names: c.339C>T, p.Asn113= (NM_001312871.1); c.375C>T, p.Asn125= (NM_001312872.1); c.204C>T, p.Asn68= (NM_001312873.1); c.*149C>T (NM_001312874.1).
Identifiers: ClinVar variation 512098 (VCV000512098.10), dbSNP rs141561272, ClinGen allele CA1486201.